The following is an entry in ClinVar:

NM_000051.4(ATM):c.857A>G (p.Gln286Arg)

Gene: ATM (ATM serine/threonine kinase; plus strand). Cytogenetic location: 11q22.3.
Variant type: single nucleotide variant.
Coding change: c.857A>G on transcript NM_000051.4 (MANE Select); coding-DNA position 857, A replaced by G.
Protein change: p.Gln286Arg; replaces glutamine 286 with arginine.
Molecular consequence: missense variant.
Genome position (GRCh38, 1-based): chr11:108,244,982, A>G. VCF-style: chr11-108244982-A-G. GRCh37 (hg19) VCF-style: chr11-108115709-A-G.
Other names: c.857A>G, p.Gln286Arg (NM_001351834.2); short protein forms Q286R.
Identifiers: ClinVar variation 822577 (VCV000822577.7), dbSNP rs1591504622, ClinGen allele CA382529493.

ClinVar aggregate classification (germline): Uncertain significance. Review status: criteria provided, multiple submitters, no conflicts (2 of 4 stars). 3 submissions from 3 submitters: Uncertain significance (3). Last evaluated 2026-01-20.

Conditions:
Ataxia-telangiectasia syndrome (AT). Also called: Cerebello-oculocutaneous telangiectasia; Immunodeficiency with ataxia telangiectasia; Ataxia-telangiectasia, complementation group E; Ataxia-telangiectasia, complementation group D; AT, COMPLEMENTATION GROUP C; ATAXIA-TELANGIECTASIA, COMPLEMENTATION GROUP A. Identifiers: Orphanet 100, MedGen C0004135, MONDO:0008840, OMIM 208900.
Hereditary cancer-predisposing syndrome. Also called: Hereditary Cancer Syndrome; Neoplastic Syndromes, Hereditary; Hereditary neoplastic syndrome; Tumor predisposition. Identifiers: Orphanet 140162, MedGen C0027672, MeSH D009386, MONDO:0015356.

Submissions (3):

Labcorp Genetics (formerly Invitae), Labcorp
Classification: Uncertain significance for Ataxia-telangiectasia syndrome. Last evaluated: 2026-01-20. Review status: criteria provided, single submitter. Criteria: Invitae Variant Classification Sherloc (09022015). Collection method: clinical testing. Allele origin: germline.
Comment: This sequence change replaces glutamine, which is neutral and polar, with arginine, which is basic and polar, at codon 286 of the ATM protein (p.Gln286Arg). This variant is not present in population databases (gnomAD no frequency). This variant has not been reported in the literature in individuals affected with ATM-related conditions. ClinVar contains an entry for this variant (Variation ID: 822577). Invitae Evidence Modeling of protein sequence and biophysical properties (such as structural, functional, and spatial information, amino acid conservation, physicochemical variation, residue mobility, and thermodynamic stability) indicates that this missense variant is not expected to disrupt ATM protein function with a negative predictive value of 95%. In summary, the available evidence is currently insufficient to determine the role of this variant in disease. Therefore, it has been classified as a Variant of Uncertain Significance.

Color Diagnostics, LLC DBA Color Health
Classification: Uncertain significance for Hereditary cancer-predisposing syndrome. Last evaluated: 2023-07-17. Review status: criteria provided, single submitter. Criteria: ACMG Guidelines, 2015. Collection method: clinical testing. Allele origin: germline.
Comment: This missense variant replaces glutamine with arginine at codon 286 of the ATM protein. Computational prediction suggests that this variant may not impact protein structure and function (internally defined REVEL score threshold <= 0.5, PMID: 27666373). To our knowledge, functional studies have not been reported for this variant. This variant has not been reported in individuals affected with ATM-related disorders in the literature. This variant has not been identified in the general population by the Genome Aggregation Database (gnomAD). The available evidence is insufficient to determine the role of this variant in disease conclusively. Therefore, this variant is classified as a Variant of Uncertain Significance.

Ambry Genetics
Classification: Uncertain significance for Hereditary cancer-predisposing syndrome. Last evaluated: 2018-10-24. Review status: criteria provided, single submitter. Criteria: Ambry Variant Classification Scheme 2023. Collection method: clinical testing. Allele origin: germline.
Comment: The p.Q286R variant (also known as c.857A>G), located in coding exon 6 of the ATM gene, results from an A to G substitution at nucleotide position 857. The glutamine at codon 286 is replaced by arginine, an amino acid with highly similar properties. This amino acid position is well conserved in available vertebrate species. In addition, the in silico prediction for this alteration is inconclusive. Since supporting evidence is limited at this time, the clinical significance of this alteration remains unclear.